The following is an entry in ClinVar:

NM_000138.5(FBN1):c.1856C>A (p.Thr619Asn)

Gene: FBN1 (fibrillin 1; minus strand). Cytogenetic location: 15q21.1.
Variant type: single nucleotide variant.
Coding change: c.1856C>A on transcript NM_000138.5 (MANE Select); coding-DNA position 1856, C replaced by A.
Protein change: p.Thr619Asn; replaces threonine 619 with asparagine.
Molecular consequence: missense variant.
Genome position (GRCh38, 1-based): chr15:48,505,129, G>T on the plus strand (C>A on the coding strand, the complement: FBN1 is on the minus strand). VCF-style: chr15-48505129-G-T. GRCh37 (hg19) VCF-style: chr15-48797326-G-T.
Other names: short protein forms T619N.
Identifiers: ClinVar variation 576493 (VCV000576493.30), dbSNP rs377686210, ClinGen allele CA046166.

ClinVar aggregate classification (germline): Conflicting classifications of pathogenicity. Review status: criteria provided, conflicting classifications (1 of 4 stars). 9 submissions from 9 submitters: Uncertain significance (5); Likely benign (4). Last evaluated 2026-01-20.

Conditions:
Marfan syndrome (MFS). Also called: FBN1-Related Marfan Syndrome; MARFAN SYNDROME, TYPE I; Marfan syndrome type 1; Marfan's syndrome; Marfan syndrome, classic. Identifiers: Orphanet 284963, Orphanet 558, MedGen C0024796, MONDO:0007947, OMIM 154700.
Familial thoracic aortic aneurysm and aortic dissection (TAAD). Also called: Thoracic aortic aneurysms and dissections. Identifiers: Orphanet 91387, MedGen C4707243, MONDO:0019625.
Stiff skin syndrome (SSKS). Identifiers: Orphanet 2833, MedGen C1861456, MONDO:0008492, OMIM 184900.
Weill-Marchesani syndrome 2, dominant. Also called: Weill-Marchesani Syndrome, Autosomal Dominant; FBN1-Related Weill-Marchesani Syndrome. Identifiers: Orphanet 2084, MedGen C1869115, MONDO:0012013, OMIM 608328.
Geleophysic dysplasia 2 (GPHYSD2). Identifiers: Orphanet 2623, MedGen C3280054, MONDO:0013612, OMIM 614185.
MASS syndrome (OCTD). Also called: MASS PHENOTYPE; OVERLAP CONNECTIVE TISSUE DISEASE. Identifiers: MedGen C1858556, MONDO:0011431, OMIM 604308.
Acromicric dysplasia (ACMICD). Also called: Acromicric skeletal dysplasia. Identifiers: Orphanet 969, MedGen C0265287, MONDO:0007055, OMIM 102370.
Progeroid and marfanoid aspect-lipodystrophy syndrome. Also called: MARFANOID-PROGEROID SYNDROME; MARFAN-PROGEROID-LIPODYSTROPHY SYNDROME; Marfan lipodystrophy syndrome; MARFANOID-PROGEROID-LIPODYSTROPHY SYNDROME. Identifiers: Orphanet 300382, MedGen C4310796, MONDO:0014831, OMIM 616914.
Ectopia lentis 1, isolated, autosomal dominant (ECTOL1). Identifiers: Orphanet 1885, MedGen C3541518, MONDO:0007514, OMIM 129600.

Allele frequency attached by ClinVar (database versions not stated): gnomAD 0.00001; TOPMed 0.00002; ExAC 0.00005; gnomAD exomes 0.00005; ESP Exome Variant Server 0.00008.
gnomAD v4.1: 67 of 1,613,954 alleles (0.0042%); highest among the groups gnomAD compares: Non-Finnish European, 0.0055%; no homozygotes.

Submissions (9):

Labcorp Genetics (formerly Invitae), Labcorp
Classification: Likely benign for Marfan syndrome; Familial thoracic aortic aneurysm and aortic dissection. Last evaluated: 2026-01-20. Review status: criteria provided, single submitter. Criteria: Invitae Variant Classification Sherloc (09022015). Collection method: clinical testing. Allele origin: germline.

CeGaT Center for Human Genetics Tuebingen
Classification: Uncertain significance. Last evaluated: 2025-08-01. Review status: criteria provided, single submitter. Criteria: CeGaT Center For Human Genetics Tuebingen Variant Classification Criteria Version 2. Collection method: clinical testing. Allele origin: germline. Affected: yes. Observed: 1 variant allele.

Ambry Genetics
Classification: Likely benign for Familial thoracic aortic aneurysm and aortic dissection. Last evaluated: 2024-05-17. Review status: criteria provided, single submitter. Criteria: Ambry Variant Classification Scheme 2023. Collection method: clinical testing. Allele origin: germline.

Color Diagnostics, LLC DBA Color Health
Classification: Likely benign for Familial thoracic aortic aneurysm and aortic dissection. Last evaluated: 2024-04-25. Review status: criteria provided, single submitter. Criteria: ACMG Guidelines, 2015. Collection method: clinical testing. Allele origin: germline.

Blueprint Genetics
Classification: Likely benign. Last evaluated: 2024-01-29. Review status: criteria provided, single submitter. Criteria: ACMG Guidelines, 2015. Collection method: clinical testing. Allele origin: germline.

All of Us Research Program, National Institutes of Health
Classification: Uncertain significance for Marfan syndrome. Last evaluated: 2023-12-13. Review status: criteria provided, single submitter. Criteria: ACMG Guidelines, 2015. Collection method: clinical testing. Allele origin: germline. Inheritance: Autosomal dominant inheritance. Observed: 5 variant alleles, 5 heterozygotes.
Comment: This missense variant replaces threonine with asparagine at codon 619 of the FBN1 protein. Computational prediction suggests that this variant may not impact protein structure and function (internally defined REVEL score threshold <= 0.5, PMID: 27666373). To our knowledge, functional studies have not been reported for this variant. This variant has not been reported in individuals affected with cardiovascular disorders in the literature. This variant has been identified in 12/251422 chromosomes in the general population by the Genome Aggregation Database (gnomAD). The available evidence is insufficient to determine the role of this variant in disease conclusively. Therefore, this variant is classified as a Variant of Uncertain Significance.

This study involves interpretation of variants in research participants for the purpose of population health screening. Participant phenotype was not available at the time of variant classification. Additional details can be found in publication PMID: 35346344, PMCID: PMC8962531

GeneDx
Classification: Uncertain significance. Last evaluated: 2022-09-27. Review status: criteria provided, single submitter. Criteria: GeneDx Variant Classification Process June 2021. Collection method: clinical testing. Allele origin: germline. Affected: yes.
Comment: In silico analysis supports that this missense variant has a deleterious effect on protein structure/function; Has not been previously published as pathogenic or benign to our knowledge; Although located in a calcium-binding EGF-like domain of the FBN1 gene, it does not affect a cysteine residue within this domain; cysteine substitutions in the calcium-binding EGF-like domains represent the majority of pathogenic missense changes associated with FBN1-related disorders (Collod-Beroud et al., 2003); This variant is associated with the following publications: (PMID: 12938084)

Fulgent Genetics
Classification: Uncertain significance for Acromicric dysplasia; Ectopia lentis 1, isolated, autosomal dominant; Marfan syndrome; Stiff skin syndrome; MASS syndrome; Weill-Marchesani syndrome 2, dominant; Geleophysic dysplasia 2; Progeroid and marfanoid aspect-lipodystrophy syndrome. Last evaluated: 2021-10-02. Review status: criteria provided, single submitter. Criteria: ACMG Guidelines, 2015. Collection method: clinical testing. Allele origin: unknown.

CHEO Genetics Diagnostic Laboratory, Children's Hospital of Eastern Ontario
Classification: Uncertain significance for Familial thoracic aortic aneurysm and aortic dissection. Last evaluated: 2021-07-13. Review status: criteria provided, single submitter. Criteria: ACMG Guidelines, 2015. Collection method: clinical testing. Allele origin: germline.